The following is an entry in ClinVar:

ClinVar aggregate classification (germline): Likely pathogenic (1 of 4 stars; one submission).

Conditions:
Autosomal recessive nonsyndromic hearing loss 76. Also called: Deafness, autosomal recessive 76. Identifiers: Orphanet 90636, MedGen C3147083, MONDO:0014237, OMIM 615540.

gnomAD v4.1: 2 of 1,613,250 alleles (0.00012%); highest among the groups gnomAD compares: Non-Finnish European, 0.00017%; no homozygotes.

Submission:

MVZ Medizinische Genetik Mainz
Classification: Likely pathogenic for Autosomal recessive nonsyndromic hearing loss 76. Last evaluated: 2023-02-07. Review status: criteria provided, single submitter. Criteria: UK Practice Guidelines For Variant Classification V4 01 2020. Collection method: clinical testing. Allele origin: germline. Inheritance: Autosomal recessive inheritance. Affected: yes. Observed: 1 variant allele.
Comment: ACMG Criteria: PVS1,PM2_SUP

NM_001039876.3(SYNE4):c.1018G>T (p.Glu340Ter)

Gene: SYNE4 (spectrin repeat containing nuclear envelope family member 4; minus strand). Cytogenetic location: 19q13.12.
Variant type: single nucleotide variant.
Coding change: c.1018G>T on transcript NM_001039876.3 (MANE Select); coding-DNA position 1018, G replaced by T.
Protein change: p.Glu340Ter; replaces glutamic acid 340 with a stop codon.
Molecular consequence: nonsense.
Genome position (GRCh38, 1-based): chr19:36,003,626, C>A on the plus strand (G>T on the coding strand, the complement: SYNE4 is on the minus strand). VCF-style: chr19-36003626-C-A. GRCh37 (hg19) VCF-style: chr19-36494528-C-A.
Other names: c.679G>T, p.Glu227Ter (NM_001297735.3); short protein forms E227*, E340*.
Identifiers: ClinVar variation 4526480 (VCV004526480.1).
Genomic context (GRCh38, chr19:36,003,626, plus strand): 5'-AGGAGCTCTGTCCCCCACACCCTAGTCCCATCTCTCAGGCACCTCACCCTGGATTCCCCT[C>A]CAGCCTCACATCCTGGAGATGAGGAGATGCTTGCCTCTTCTTGTCCTAAGGAGGGAGAGC-3'